The following is an entry in ClinVar:

ClinVar aggregate classification (germline): Uncertain significance (1 of 4 stars; one submission).

Submission:

Laboratorio de Genetica e Diagnostico Molecular, Hospital Israelita Albert Einstein
Classification: Uncertain significance. Last evaluated: 2021-08-31. Review status: criteria provided, single submitter. Criteria: ACMG Guidelines, 2015. Collection method: clinical testing. Allele origin: germline. Affected: yes.
Comment: ACMG classification criteria: PM2, BP4

NM_001291867.2(NHS):c.2596G>A (p.Asp866Asn)

Gene: NHS (NHS actin remodeling regulator; plus strand). Cytogenetic location: Xp22.13.
Variant type: single nucleotide variant.
Coding change: c.2596G>A on transcript NM_001291867.2 (MANE Select); coding-DNA position 2596, G replaced by A.
Protein change: p.Asp866Asn; replaces aspartic acid 866 with asparagine.
Molecular consequence: missense variant.
Genome position (GRCh38, 1-based): chrX:17,726,702, G>A. VCF-style: chrX-17726702-G-A. GRCh37 (hg19) VCF-style: chrX-17744822-G-A.
Other names: c.2065G>A, p.Asp689Asn (NM_001136024.4); c.2002G>A, p.Asp668Asn (NM_001291868.2); c.2533G>A, p.Asp845Asn (NM_198270.4); short protein forms D668N, D689N, D845N, D866N.
Identifiers: ClinVar variation 1690428 (VCV001690428.2), dbSNP rs2147143343, ClinGen allele CA412359526.